The following is an entry in ClinVar:

NM_000152.5(GAA):c.1859C>A (p.Ser620Tyr)

Gene: GAA (alpha glucosidase; plus strand). Cytogenetic location: 17q25.3.
Variant type: single nucleotide variant.
Coding change: c.1859C>A on transcript NM_000152.5 (MANE Select); coding-DNA position 1859, C replaced by A.
Protein change: p.Ser620Tyr; replaces serine 620 with tyrosine.
Molecular consequence: missense variant.
Genome position (GRCh38, 1-based): chr17:80,112,682, C>A. VCF-style: chr17-80112682-C-A. GRCh37 (hg19) VCF-style: chr17-78086481-C-A.
Other names: c.1859C>A, p.Ser620Tyr (NM_001079803.3, NM_001079804.3, NM_001406741.1 and 1 more transcripts); short protein forms S620Y.
Identifiers: ClinVar variation 4876258 (VCV004876258.1).

ClinVar aggregate classification (germline): Uncertain significance (1 of 4 stars; one submission).

Conditions:
Glycogen storage disease, type II (IOPD). Also called: Pompe Disease; CARDIOMEGALIA GLYCOGENICA DIFFUSA; GLYCOGENOSIS, GENERALIZED, CARDIAC FORM; GSD II; POMPE DISEASE, INFANTILE-ONSET; GLYCOGEN STORAGE DISEASE II, INFANTILE-ONSET. Identifiers: Orphanet 365, MedGen C0017921, MONDO:0009290, OMIM 232300.

Submission:

Genomenon, Inc
Classification: Uncertain significance for Glycogen storage disease, type II. Last evaluated: 2026-07-01. Review status: criteria provided, single submitter. Criteria: Genomenon Sequence Variant Interpretation Standards - Updated. Collection method: curation. Allele origin: germline. Affected: no.
Comment: GAA p.Ser620Tyr (c.1859C>A) is a missense variant that changes the amino acid at codon 620 from Serine to Tyrosine. This variant has been reported in the published literature (PMID:33560568). It is absent or not present at a significant frequency in gnomAD. In conclusion, we classify GAA p.Ser620Tyr (c.1859C>A) as a variant of uncertain significance.

Literature cited by the submitters: PubMed 33560568.